The following is an entry in ClinVar:

ClinVar aggregate classification (germline): Pathogenic/Likely pathogenic. Review status: criteria provided, multiple submitters, no conflicts (2 of 4 stars). 6 submissions from 6 submitters: Pathogenic (5); Likely pathogenic (1). Last evaluated 2023-01-31.

Conditions:
KBG syndrome (KBGS). Also called: ANKRD11-Related KBG Syndrome. Identifiers: Orphanet 2332, MedGen C0220687, MONDO:0007846, OMIM 148050.
ANKRD11-related disorder. Also called: ANKRD11-related condition.

Submissions (6):

PreventionGenetics, part of Exact Sciences
Classification: Pathogenic for ANKRD11-related condition. Last evaluated: 2023-01-31. Review status: criteria provided, single submitter. Criteria: ACMG Guidelines, 2015. Collection method: clinical testing. Allele origin: germline.
Comment: The ANKRD11 c.7062dupC variant is predicted to result in a frameshift and premature protein termination (p.Ser2355Leufs*177). To our knowledge, this variant has not been reported in the literature or in a large population database, indicating this variant is rare. Frameshift variants in ANKRD11 are expected to be pathogenic, and therefore we interpret c.7062dup (p.Ser2355Leufs*177) as pathogenic.

HudsonAlpha Institute for Biotechnology
Classification: Pathogenic for KBG syndrome. Last evaluated: 2022-09-23. Review status: criteria provided, single submitter. Criteria: ACMG Guidelines, 2015. Collection method: research. Allele origin: de novo. Affected: yes. Observed: 1 variant allele. Study: CSER-HudsonAlpha.

Labcorp Genetics (formerly Invitae), Labcorp
Classification: Pathogenic for KBG syndrome. Last evaluated: 2022-06-20. Review status: criteria provided, single submitter. Criteria: Invitae Variant Classification Sherloc (09022015). Collection method: clinical testing. Allele origin: germline.
Comment: This sequence change creates a premature translational stop signal (p.Ser2355Leufs*177) in the ANKRD11 gene. It is expected to result in an absent or disrupted protein product. Loss-of-function variants in ANKRD11 are known to be pathogenic (PMID: 21782149, 25125236, 25413698, 25652421). This variant is not present in population databases (gnomAD no frequency). For these reasons, this variant has been classified as Pathogenic. ClinVar contains an entry for this variant (Variation ID: 1073378). This variant has not been reported in the literature in individuals affected with ANKRD11-related conditions.

Provincial Medical Genetics Program of British Columbia, University of British Columbia
Classification: Pathogenic for KBG syndrome. Last evaluated: 2022-01-01. Review status: criteria provided, single submitter. Criteria: ACMG Guidelines, 2015. Collection method: clinical testing. Allele origin: de novo. Affected: yes.

Groupe Hospitalier Pitie Salpetriere, Uf Genomique Du Developpement, Assistance Publique Hopitaux de Paris Sorbonne Université
Classification: Pathogenic for KBG syndrome. Last evaluated: 2020-12-01. Review status: criteria provided, single submitter. Criteria: ACMG Guidelines, 2015. Collection method: clinical testing. Allele origin: germline. Affected: yes.
Comment: This variant is a null variant (PVS1), found de novo (PS2), absent or extremely rare in population databases (PM2_supp) and very strong evidence from reputable sources reporting the variant as pathogenic (PP5_very strong)

Blueprint Genetics
Classification: Likely pathogenic for ANKRD11-related disorders. Last evaluated: 2019-10-25. Review status: criteria provided, single submitter. Criteria: ACMG Guidelines, 2015. Collection method: clinical testing. Allele origin: germline. Affected: yes. Observed: 1 variant allele.

Literature cited by the submitters: PubMed 21782149 (cited by Labcorp Genetics (formerly Invitae), Labcorp); PubMed 25125236 (cited by Labcorp Genetics (formerly Invitae), Labcorp); PubMed 25413698 (cited by Labcorp Genetics (formerly Invitae), Labcorp); PubMed 25652421 (cited by Labcorp Genetics (formerly Invitae), Labcorp).

NM_013275.6(ANKRD11):c.7062dup (p.Ser2355fs)

Gene: ANKRD11 (ankyrin repeat domain 11; minus strand). Cytogenetic location: 16q24.3.
Variant type: Duplication.
Coding change: c.7062dup on transcript NM_013275.6 (MANE Select); coding-DNA position 7062, one base duplicated (C; older notation c.7062dupC).
Protein change: p.Ser2355fs; shifts the reading frame from serine 2355.
Molecular consequence: frameshift variant.
Genome position (GRCh38, 1-based): chr16:89,279,480, G duplicated on the plus strand (C on the coding strand, the reverse complement: ANKRD11 is on the minus strand); the first of 6 consecutive G bases (chr16:89,279,480-89,279,485); duplicating any one gives the same sequence. VCF-style (leftmost placement, unchanged base first): chr16-89279479-A-AG. GRCh37 (hg19) VCF-style: chr16-89345887-A-AG.
Other names: c.7062dupC (NM_013275.5); c.7062dup, p.Ser2355fs (NM_001256182.2, NM_001256183.2); short protein forms S2355fs.
Identifiers: ClinVar variation 1073378 (VCV001073378.12), dbSNP rs886041942, ClinGen allele CA2499223774.